The following is an entry in ClinVar:

ClinVar aggregate classification (germline): Uncertain significance. Review status: criteria provided, multiple submitters, no conflicts (2 of 4 stars). 2 submissions from 2 submitters: Uncertain significance (2). Last evaluated 2022-01-26.

Conditions:
Hereditary cancer-predisposing syndrome. Also called: Neoplastic Syndromes, Hereditary; Hereditary Cancer Syndrome; Tumor predisposition; Hereditary neoplastic syndrome. Identifiers: Orphanet 140162, MedGen C0027672, MeSH D009386, MONDO:0015356.

Submissions (2):

Labcorp Genetics (formerly Invitae), Labcorp
Classification: Uncertain significance. Last evaluated: 2022-01-26. Review status: criteria provided, single submitter. Criteria: Invitae Variant Classification Sherloc (09022015). Collection method: clinical testing. Allele origin: germline.
Comment: In summary, the available evidence is currently insufficient to determine the role of this variant in disease. Therefore, it has been classified as a Variant of Uncertain Significance. Algorithms developed to predict the effect of missense changes on protein structure and function are either unavailable or do not agree on the potential impact of this missense change (SIFT: "Deleterious"; PolyPhen-2: "Probably Damaging"; Align-GVGD: "Class C0"). ClinVar contains an entry for this variant (Variation ID: 1036103). This variant has not been reported in the literature in individuals affected with MSH3-related conditions. This variant is not present in population databases (gnomAD no frequency). This sequence change replaces glutamine, which is neutral and polar, with lysine, which is basic and polar, at codon 235 of the MSH3 protein (p.Gln235Lys).

Ambry Genetics
Classification: Uncertain significance for Hereditary cancer-predisposing syndrome. Last evaluated: 2021-02-17. Review status: criteria provided, single submitter. Criteria: Ambry Variant Classification Scheme 2023. Collection method: clinical testing. Allele origin: germline.
Comment: The p.Q235K variant (also known as c.703C>A), located in coding exon 4 of the MSH3 gene, results from a C to A substitution at nucleotide position 703. The glutamine at codon 235 is replaced by lysine, an amino acid with similar properties. This amino acid position is highly conserved in available vertebrate species. In addition, this alteration is predicted to be deleterious by in silico analysis. Since supporting evidence is limited at this time, the clinical significance of this alteration remains unclear.

NM_002439.5(MSH3):c.703C>A (p.Gln235Lys)

Gene: MSH3 (mutS homolog 3; plus strand). Cytogenetic location: 5q14.1.
Variant type: single nucleotide variant.
Coding change: c.703C>A on transcript NM_002439.5 (MANE Select); coding-DNA position 703, C replaced by A.
Protein change: p.Gln235Lys; replaces glutamine 235 with lysine.
Molecular consequence: missense variant.
Genome position (GRCh38, 1-based): chr5:80,670,220, C>A. VCF-style: chr5-80670220-C-A. GRCh37 (hg19) VCF-style: chr5-79966039-C-A.
Other names: short protein forms Q235K.
Identifiers: ClinVar variation 1036103 (VCV001036103.11), dbSNP rs371356175, ClinGen allele CA360266818.
Genomic context (GRCh38, chr5:80,670,220, plus strand): 5'-AAAACTGCTTCCAAATCAGCTAACAAACGGTCCAAAAGCATCTATACGCCGCTAGAATTA[C>A]AATACATAGAAATGAAGCAGCAGCACAAAGATGCAGTTTTGTGTGTGGAATGTGGATATA-3'
Protein context (NP_002430.3, residues 225-245): SKSIYTPLEL[Gln235Lys]YIEMKQQHKD